The following is an entry in ClinVar:

ClinVar aggregate classification (germline): Conflicting classifications of pathogenicity. Review status: criteria provided, conflicting classifications (1 of 4 stars). 5 submissions from 5 submitters: Uncertain significance (3); Likely benign (1). 1 of the submissions does not count toward it. Last evaluated 2025-07-14.

Conditions:
Inborn genetic diseases. Identifiers: MedGen C0950123, MeSH D030342.
Nemaline myopathy 2 (NEM2). Also called: Nemaline myopathy 2, autosomal recessive. Identifiers: MedGen C1850569, MONDO:0009725, OMIM 256030.

Allele frequency attached by ClinVar (database versions not stated): gnomAD 0.00001; TOPMed 0.00001; gnomAD exomes 0.00003 and 0.00006; ExAC 0.00004; ESP Exome Variant Server 0.00008; 1000 Genomes Project 30x 0.00016; 1000 Genomes Project 0.00020.
gnomAD v4.1: 85 of 1,613,094 alleles (0.0053%); highest among the groups gnomAD compares: East Asian, 0.0089%; no homozygotes.

Submissions (5):

Ambry Genetics
Classification: Uncertain significance for Inborn genetic diseases. Last evaluated: 2025-07-14. Review status: criteria provided, single submitter. Criteria: Ambry Variant Classification Scheme 2023. Collection method: clinical testing. Allele origin: germline.

GeneDx
Classification: Uncertain significance. Last evaluated: 2025-04-16. Review status: criteria provided, single submitter. Criteria: GeneDx Variant Classification Process June 2021. Collection method: clinical testing. Allele origin: germline. Affected: yes.
Comment: Not observed at significant frequency in large population cohorts (gnomAD); In silico analysis supports that this missense variant has a deleterious effect on protein structure/function; Has not been previously published as pathogenic or benign to our knowledge

Labcorp Genetics (formerly Invitae), Labcorp
Classification: Likely benign for Nemaline myopathy 2. Last evaluated: 2025-02-19. Review status: criteria provided, single submitter. Criteria: Invitae Variant Classification Sherloc (09022015). Collection method: clinical testing. Allele origin: germline.

Revvity Omics, Revvity
Classification: Uncertain significance. Last evaluated: 2020-03-09. Review status: criteria provided, single submitter. Criteria: ACMG Guidelines, 2015. Collection method: clinical testing. Allele origin: germline.

Natera, Inc.
Classification: Uncertain significance for Nemaline myopathy type 2. Last evaluated: 2020-02-05. Review status: no assertion criteria provided. Collection method: clinical testing. Allele origin: germline. Not counted in ClinVar's aggregate classification.

NM_001164508.2(NEB):c.21604C>T (p.Arg7202Cys)

Genes: NEB (nebulin; minus strand), RIF1 (replication timing regulatory factor 1; plus strand). Cytogenetic location: 2q23.3.
Variant type: single nucleotide variant.
Coding change: c.21604C>T on transcript NM_001164508.2 (MANE Select); coding-DNA position 21604, C replaced by T.
Protein change: p.Arg7202Cys; replaces arginine 7202 with cysteine.
Molecular consequence: missense variant.
Genome position (GRCh38, 1-based): chr2:151,531,020, G>A on the plus strand (C>T on the coding strand, the complement: NEB is on the minus strand). VCF-style: chr2-151531020-G-A. GRCh37 (hg19) VCF-style: chr2-152387534-G-A.
Other names: c.21604C>T, p.Arg7202Cys (NM_001164507.2); c.21709C>T, p.Arg7237Cys (NM_001271208.2); c.16501C>T, p.Arg5501Cys (NM_004543.5); c.16501C>T (NM_004543.4); short protein forms R7202C, R7237C, R5501C.
Identifiers: ClinVar variation 966955 (VCV000966955.14), dbSNP rs200826420, ClinGen allele CA1906929.